The following is an entry in ClinVar:

NM_015557.3(CHD5):c.1162G>C (p.Glu388Gln)

Gene: CHD5 (chromodomain helicase DNA binding protein 5; minus strand). Cytogenetic location: 1p36.31.
Variant type: single nucleotide variant.
Coding change: c.1162G>C on transcript NM_015557.3 (MANE Select); coding-DNA position 1162, G replaced by C.
Protein change: p.Glu388Gln; replaces glutamic acid 388 with glutamine.
Molecular consequence: missense variant.
Genome position (GRCh38, 1-based): chr1:6,149,075, C>G on the plus strand (G>C on the coding strand, the complement: CHD5 is on the minus strand). VCF-style: chr1-6149075-C-G. GRCh37 (hg19) VCF-style: chr1-6209135-C-G.
Other names: short protein forms E388Q.
Identifiers: ClinVar variation 5006955 (VCV005006955.2).
Genomic context (GRCh38, chr1:6,149,075, plus strand): 5'-AGCCGCCCTCCTCCTCTTCATCGTCGTCGTCCTTCGGCTCCCACTGGATCCCCTCCTTCT[C>G]CTGGGGGAGGAGGCCAGGTGGAGGCACCCTGGGCGGGGTCCCCGCTCCACCAGGCCCGAC-3'
Protein context (NP_056372.1, residues 378-398): PEGKWSCPHC[Glu388Gln]KEGIQWEPKD

ClinVar aggregate classification (germline): Uncertain significance (1 of 4 stars; one submission).

Conditions:
Parenti-mignot neurodevelopmental syndrome. Identifiers: MedGen C5676984, MONDO:0859249, OMIM 619873.

gnomAD v4.1: 1 of 1,521,958 alleles (0.000066%); highest among the groups gnomAD compares: Non-Finnish European, 0.000088%; no homozygotes.

Submission:

Juno Genomics, Hangzhou Juno Genomics, Inc
Classification: Uncertain significance for Parenti-mignot neurodevelopmental syndrome. Review status: criteria provided, single submitter. Criteria: ACMG Guidelines, 2015. Collection method: clinical testing. Allele origin: germline.
Comment: Absent from controls (or at extremely low frequency if recessive) in Genome Aggregation Database.;Multiple lines of computational evidence support a deleterious effect on the gene or gene product.